The following is an entry in ClinVar:

ClinVar aggregate classification (germline): Pathogenic (1 of 4 stars; one submission).

Conditions:
Primary ciliary dyskinesia 3. Identifiers: Orphanet 244, MedGen C1837618, MONDO:0012085, OMIM 608644.

Submission:

Myriad Genetics, Inc.
Classification: Pathogenic for Primary ciliary dyskinesia 3. Last evaluated: 2024-05-14. Review status: criteria provided, single submitter. Criteria: Myriad Autosomal Dominant, Autosomal Recessive and X-Linked Classification Criteria (2023). Collection method: clinical testing. Allele origin: unknown.
Comment: NM_001369.2(DNAH5):c.3908_3909ins11(Y1304Kfs*21) is expected to be pathogenic in the context of primary ciliary dyskinesia, DNAH5-related. This variant is predicted to lead to an abnormal or absent protein product due to the creation of a premature termination codon in DNAH5, a gene where loss-of-function variants are known to be pathogenic. Please note: this variant was assessed in the context of healthy population screening.

NM_001369.3(DNAH5):c.3908_3909insTAAGAGACAGT (p.Tyr1304fs)

Genes: DNAH5 (dynein axonemal heavy chain 5; minus strand), DNAH5-AS1 (DNAH5 antisense RNA 1; plus strand). Cytogenetic location: 5p15.2.
Variant type: Insertion.
Coding change: c.3908_3909insTAAGAGACAGT on transcript NM_001369.3 (MANE Select); coding-DNA positions 3908 to 3909, TAAGAGACAGT inserted.
Protein change: p.Tyr1304fs; shifts the reading frame from tyrosine 1304.
Molecular consequence: frameshift variant.
Genome position: GRCh38 VCF-style: chr5-13867918-G-GACTGTCTCTTA. GRCh37 (hg19) VCF-style: chr5-13868027-G-GACTGTCTCTTA.
Other names: short protein forms Y1304fs.
Identifiers: ClinVar variation 5010928 (VCV005010928.1).